The following is an entry in ClinVar:

NM_005720.4(ARPC1B):c.701A>T (p.Lys234Met)

Gene: ARPC1B (actin related protein 2/3 complex subunit 1B; plus strand). Cytogenetic location: 7q22.1.
Variant type: single nucleotide variant.
Coding change: c.701A>T on transcript NM_005720.4 (MANE Select); coding-DNA position 701, A replaced by T.
Protein change: p.Lys234Met; replaces lysine 234 with methionine.
Molecular consequence: missense variant.
Genome position (GRCh38, 1-based): chr7:99,391,093, A>T. VCF-style: chr7-99391093-A-T. GRCh37 (hg19) VCF-style: chr7-98988716-A-T.
Other names: short protein forms K234M.
Identifiers: ClinVar variation 2997651 (VCV002997651.3), dbSNP rs1046660850, ClinGen allele CA163112329.

ClinVar aggregate classification (germline): Uncertain significance (1 of 4 stars; one submission).

Allele frequency attached by ClinVar (database versions not stated): gnomAD exomes 0.00001.
gnomAD v4.1: 11 of 1,613,446 alleles (0.00068%); highest among the groups gnomAD compares: East Asian, 0.0045%; no homozygotes.

Submission:

Labcorp Genetics (formerly Invitae), Labcorp
Classification: Uncertain significance. Last evaluated: 2023-07-22. Review status: criteria provided, single submitter. Criteria: Invitae Variant Classification Sherloc (09022015). Collection method: clinical testing. Allele origin: germline.
Comment: In summary, the available evidence is currently insufficient to determine the role of this variant in disease. Therefore, it has been classified as a Variant of Uncertain Significance. Algorithms developed to predict the effect of sequence changes on RNA splicing suggest that this variant may create or strengthen a splice site. Advanced modeling of protein sequence and biophysical properties (such as structural, functional, and spatial information, amino acid conservation, physicochemical variation, residue mobility, and thermodynamic stability) performed at Invitae indicates that this missense variant is not expected to disrupt ARPC1B protein function. This variant has not been reported in the literature in individuals affected with ARPC1B-related conditions. This variant is present in population databases (no rsID available, gnomAD 0.0009%). This sequence change replaces lysine, which is basic and polar, with methionine, which is neutral and non-polar, at codon 234 of the ARPC1B protein (p.Lys234Met).